The following is an entry in ClinVar:

ClinVar aggregate classification (germline): Conflicting classifications of pathogenicity. Review status: criteria provided, conflicting classifications (1 of 4 stars). 4 submissions from 4 submitters: Pathogenic (1); Uncertain significance (3). Last evaluated 2025-12-24.

Conditions:
Trimethylaminuria (TMAU). Also called: FISH-ODOR SYNDROME; Fish malodor syndrome; Stale fish syndrome; TMAuria; Primary Trimethylaminuria. Identifiers: MedGen C0342739, MONDO:0011182, OMIM 602079, HP:0003614. Disease mechanism: loss of function.

Allele frequency attached by ClinVar (database versions not stated): gnomAD 0.00004 and 0.00017; TOPMed 0.00012; gnomAD exomes 0.00020 and 0.00043; ExAC 0.00021; 1000 Genomes Project 30x 0.00047; 1000 Genomes Project 0.00060.
gnomAD v4.1: 632 of 1,613,750 alleles (0.039%); highest among the groups gnomAD compares: East Asian, 1.3%; 10 homozygotes.

Submissions (4):

Labcorp Genetics (formerly Invitae), Labcorp
Classification: Pathogenic. Last evaluated: 2025-12-24. Review status: criteria provided, single submitter. Criteria: Invitae Variant Classification Sherloc (09022015). Collection method: clinical testing. Allele origin: germline.
Comment: This sequence change replaces arginine, which is basic and polar, with cysteine, which is neutral and slightly polar, at codon 205 of the FMO3 protein (p.Arg205Cys). This variant is present in population databases (rs28363549, gnomAD 0.2%). This missense change has been observed in individual(s) with clinical features of trimethylaminuria (PMID: 15618753, 16858129, 17584019, 28649550, 30351217, 33831674, 35853340). In at least one individual the data is consistent with being in trans (on the opposite chromosome) from a pathogenic variant. This variant is also known as 21265 C>T. ClinVar contains an entry for this variant (Variation ID: 876845). Invitae Evidence Modeling of protein sequence and biophysical properties (such as structural, functional, and spatial information, amino acid conservation, physicochemical variation, residue mobility, and thermodynamic stability) indicates that this missense variant is expected to disrupt FMO3 protein function with a positive predictive value of 95%. Experimental studies have shown that this missense change affects FMO3 function (PMID: 17584019, 31401033). For these reasons, this variant has been classified as Pathogenic.

Women's Health and Genetics/Laboratory Corporation of America, LabCorp
Classification: Uncertain significance. Last evaluated: 2025-05-23. Review status: criteria provided, single submitter. Criteria: LabCorp Variant Classification Summary - May 2015. Collection method: clinical testing. Allele origin: germline.
Comment: Variant summary: FMO3 c.613C>T (p.Arg205Cys) results in a non-conservative amino acid change in the encoded protein sequence. Algorithms developed to predict the effect of missense changes on protein structure and function are either unavailable or do not agree on the potential impact of this missense change. The variant allele was found at a frequency of 0.009 in 359788 control chromosomes. The observed variant frequency is approximately 1.6 fold of the estimated maximal expected allele frequency for a pathogenic variant in FMO3 causing Trimethylaminuria phenotype (0.0056). Of note, the observed variant frequency within Japanese control individuals in the jMorp database (Tadaka_2024) is approximately 5 fold of the estimated maximal expected allele frequency for a pathogenic variant in FMO3 causing Trimethylaminuria phenotype (0.0056), and includes multiple homozygous individuals, suggesting that the variant may be hypomorphic. However, c.613C>T has been reported in the literature in several compound heterozygous individuals affected with Trimethylaminuria (often in trans with a null or complex allele), and the variant was found to segregate with disease (e.g., Fujieda_2003, Shimizu_2015, Shimizu_2019, Shimizu_2021, Shimizu_2022). These data suggest that the pathogenicity of the variant is genotype-dependent, i.e., dependent on the variant observed in trans. At least one publication reports experimental evidence evaluating an impact on protein function, finding that the variant results in a moderate reduction in the catalytic efficiency of N-oxygenation and S-oxygenation relative to the wild-type enzyme (e.g., Shimizu_2007). The following publications have been ascertained in the context of this evaluation (PMID: 15618753, 17142560, 33831674, 35853340, 30351217, 28649550, 37930845). ClinVar contains an entry for this variant (Variation ID: 876845). Based on the evidence outlined above, the variant was classified as VUS-possibly pathogenic.

Illumina Laboratory Services, Illumina
Classification: Uncertain significance for Trimethylaminuria. Last evaluated: 2017-04-27. Review status: criteria provided, single submitter. Criteria: ICSL Variant Classification Criteria 13 December 2019. Collection method: clinical testing. Allele origin: germline.

Juno Genomics, Hangzhou Juno Genomics, Inc
Classification: Uncertain significance for Trimethylaminuria. Review status: criteria provided, single submitter. Criteria: ACMG Guidelines, 2015. Collection method: clinical testing. Allele origin: germline.
Comment: Allele frequency is greater than expected for disorder.;Well-established in vitro or in vivo functional studies supportive of a damaging effect on the gene or gene product.;For recessive disorders, detected in trans with a pathogenic variant.

Literature cited by the submitters: PubMed 15618753 (cited by Labcorp Genetics (formerly Invitae), Labcorp and Women's Health and Genetics/Laboratory Corporation of America, LabCorp); PubMed 16858129 (cited by Labcorp Genetics (formerly Invitae), Labcorp); PubMed 17584019 (cited by Labcorp Genetics (formerly Invitae), Labcorp); PubMed 28649550 (cited by Labcorp Genetics (formerly Invitae), Labcorp and Women's Health and Genetics/Laboratory Corporation of America, LabCorp); PubMed 30351217 (cited by Labcorp Genetics (formerly Invitae), Labcorp and Women's Health and Genetics/Laboratory Corporation of America, LabCorp); PubMed 33831674 (cited by Labcorp Genetics (formerly Invitae), Labcorp and Women's Health and Genetics/Laboratory Corporation of America, LabCorp); PubMed 35853340 (cited by Labcorp Genetics (formerly Invitae), Labcorp and Women's Health and Genetics/Laboratory Corporation of America, LabCorp); PubMed 31401033 (cited by Labcorp Genetics (formerly Invitae), Labcorp); PubMed 17142560 (cited by Women's Health and Genetics/Laboratory Corporation of America, LabCorp); PubMed 37930845 (cited by Women's Health and Genetics/Laboratory Corporation of America, LabCorp).

NM_001002294.3(FMO3):c.613C>T (p.Arg205Cys)

Genes: FMO3 (flavin containing dimethylaniline monoxygenase 3; plus strand), LOC126805916 (BRD4-independent group 4 enhancer GRCh37_chr1:171076844-171078043; plus strand). Cytogenetic location: 1q24.3.
Variant type: single nucleotide variant.
Coding change: c.613C>T on transcript NM_001002294.3 (MANE Select); coding-DNA position 613, C replaced by T.
Protein change: p.Arg205Cys; replaces arginine 205 with cysteine.
Molecular consequence: missense variant.
Genome position (GRCh38, 1-based): chr1:171,108,207, C>T. VCF-style: chr1-171108207-C-T. GRCh37 (hg19) VCF-style: chr1-171077348-C-T.
Other names: c.553C>T, p.Arg185Cys (NM_001319173.2); c.424C>T, p.Arg142Cys (NM_001319174.2); c.613C>T, p.Arg205Cys (NM_006894.6); short protein forms R142C, R185C, R205C.
Identifiers: ClinVar variation 876845 (VCV000876845.11), dbSNP rs28363549, ClinGen allele CA1240586.